The following is an entry in ClinVar:

ClinVar aggregate classification (germline): Conflicting classifications of pathogenicity. Review status: criteria provided, conflicting classifications (1 of 4 stars). 3 submissions from 3 submitters: Uncertain significance (1); Benign (1). 1 of the submissions does not count toward it. Last evaluated 2025-03-16.

Conditions:
Amyotrophic lateral sclerosis (ALS). Also called: Charcot disease; Lou Gehrig disease. Identifiers: Orphanet 803, MedGen C0002736, MONDO:0004976, HP:0007354.
ERBB4-related disorder. Also called: ERBB4-related condition.

Allele frequency attached by ClinVar (database versions not stated): ExAC 0.00003; gnomAD 0.00004 and 0.00033; gnomAD exomes 0.00006; TOPMed 0.00054.
gnomAD v4.1: 137 of 1,613,592 alleles (0.0085%); highest among the groups gnomAD compares: Non-Finnish European, 0.0068%; 1 homozygote.

Submissions (3):

Labcorp Genetics (formerly Invitae), Labcorp
Classification: Uncertain significance. Last evaluated: 2025-03-16. Review status: criteria provided, single submitter. Criteria: Invitae Variant Classification Sherloc (09022015). Collection method: clinical testing. Allele origin: germline.
Comment: This sequence change replaces arginine, which is basic and polar, with histidine, which is basic and polar, at codon 103 of the ERBB4 protein (p.Arg103His). This variant is present in population databases (rs754487821, gnomAD 0.009%). This missense change has been observed in individual(s) with amyotrophic lateral sclerosis (ALS) (PMID: 29895397). ClinVar contains an entry for this variant (Variation ID: 873273). Invitae Evidence Modeling of protein sequence and biophysical properties (such as structural, functional, and spatial information, amino acid conservation, physicochemical variation, residue mobility, and thermodynamic stability) indicates that this missense variant is not expected to disrupt ERBB4 protein function with a negative predictive value of 80%. In summary, the available evidence is currently insufficient to determine the role of this variant in disease. Therefore, it has been classified as a Variant of Uncertain Significance.

Suna and Inan Kirac Foundation Neurodegeneration Research Laboratory, Koc University
Classification: Benign for Amyotrophic lateral sclerosis. Last evaluated: 2020-03-31. Review status: criteria provided, single submitter. Criteria: ACMG Guidelines, 2015. Collection method: research. Allele origin: germline. Affected: yes. Observed: 1 variant allele.

PreventionGenetics, part of Exact Sciences
Classification: Uncertain significance for ERBB4-related condition. Last evaluated: 2024-01-22. Review status: no assertion criteria provided. Collection method: clinical testing. Allele origin: germline. Not counted in ClinVar's aggregate classification.
Comment: The ERBB4 c.308G>A variant is predicted to result in the amino acid substitution p.Arg103His. This variant was reported in two individuals with amyotrophic lateral sclerosis (ALS); however, one of the individuals also carried a pathogenic variant in an ALS-associated gene providing the diagnosis (Table 1, Narain et al. 2018. PubMed ID: 29895397; eTable 1 and eTable 2A, Grassano et al. 2022. PubMed ID: 35896380). This variant is reported in 0.0093% of alleles in individuals of European (Non-Finnish) descent in gnomAD. Although we suspect that this variant may be benign, at this time, the clinical significance of this variant is uncertain due to the absence of conclusive functional and genetic evidence.

Literature cited by the submitters: PubMed 29895397 (cited by Labcorp Genetics (formerly Invitae), Labcorp).

NM_005235.3(ERBB4):c.308G>A (p.Arg103His)

Gene: ERBB4 (erb-b2 receptor tyrosine kinase 4; minus strand). Cytogenetic location: 2q34.
Variant type: single nucleotide variant.
Coding change: c.308G>A on transcript NM_005235.3 (MANE Select); coding-DNA position 308, G replaced by A.
Protein change: p.Arg103His; replaces arginine 103 with histidine.
Molecular consequence: missense variant.
Genome position (GRCh38, 1-based): chr2:211,947,543, C>T on the plus strand (G>A on the coding strand, the complement: ERBB4 is on the minus strand). VCF-style: chr2-211947543-C-T. GRCh37 (hg19) VCF-style: chr2-212812268-C-T.
Other names: c.308G>A, p.Arg103His (NM_001042599.2); c.308G>A (NM_005235.2); short protein forms R103H.
Identifiers: ClinVar variation 873273 (VCV000873273.8), dbSNP rs754487821, ClinGen allele CA2088466.